The following is an entry in ClinVar:

NM_007194.4(CHEK2):c.1570_1580dup (p.Glu528fs)

Gene: CHEK2 (checkpoint kinase 2; minus strand). Cytogenetic location: 22q12.1.
Variant type: Duplication.
Coding change: c.1570_1580dup on transcript NM_007194.4 (MANE Select); coding-DNA positions 1570 to 1580, 11 bases duplicated (GAAGGGGAAGC).
Protein change: p.Glu528fs; shifts the reading frame from glutamic acid 528.
Molecular consequence: frameshift variant.
Genome position (GRCh38, 1-based): chr22:28,687,949-28,687,959, GCTTCCCCTTC duplicated on the plus strand (GAAGGGGAAGC on the coding strand, the reverse complement: CHEK2 is on the minus strand). VCF-style (leftmost placement, unchanged base first): chr22-28687948-G-GGCTTCCCCTTC. GRCh37 (hg19) VCF-style: chr22-29083936-G-GGCTTCCCCTTC.
Other names: c.1699_1709dup, p.Glu571Lysfs (NM_001005735.3); c.907_917dup, p.Glu307Lysfs (NM_001257387.3); c.1369_1379dup, p.Glu461Lysfs (NM_001349956.3); c.1483_1493dup, p.Glu499Lysfs (NM_145862.3); short protein forms E307fs, E461fs, E499fs, E528fs, E571fs.
Identifiers: ClinVar variation 3226028 (VCV003226028.1), dbSNP rs2517748400, ClinGen allele CA2825002867.
Genomic context (GRCh38, chr22:28,687,948, plus strand): 5'-CCACGGAGTTCACAACACAGCAGCACACACAGCTGGGCGCTTTGTGGTCTCGGCACCCTC[G>GGCTTCCCCTTC]GCTTCCCCTTCACGGGGCCGCTTTCGACTAGTAGAAGGCTGAAAATAAAGGAAAATGGAG-3'

ClinVar aggregate classification (germline): Uncertain significance (1 of 4 stars; one submission).

Conditions:
Hereditary cancer-predisposing syndrome. Also called: Neoplastic Syndromes, Hereditary; Tumor predisposition; Hereditary neoplastic syndrome; Hereditary Cancer Syndrome. Identifiers: Orphanet 140162, MedGen C0027672, MeSH D009386, MONDO:0015356.

Submission:

Ambry Genetics
Classification: Uncertain significance for Hereditary cancer-predisposing syndrome. Last evaluated: 2023-10-10. Review status: criteria provided, single submitter. Criteria: Ambry Variant Classification Scheme 2023. Collection method: clinical testing. Allele origin: germline.
Comment: The c.1570_1580dup11 variant, located in coding exon 14 of the CHEK2 gene, results from a duplication of GAAGGGGAAGC at nucleotide positions 1570 to 1580, causing a translational frameshift with a predicted alternate stop codon (p.E528Kfs*42). This alteration occurs at the 3' terminus of theCHEK2 gene, is not expected to trigger nonsense-mediated mRNAdecay, and only impacts the last 16 amino acids of the protein. The exact functional effect of this alteration is unknown. Since supporting evidence is limited at this time, the clinical significance of this alteration remains unclear.